The following is an entry in ClinVar:

ClinVar aggregate classification (germline): Uncertain significance. Review status: criteria provided, multiple submitters, no conflicts (2 of 4 stars). 2 submissions from 2 submitters: Uncertain significance (2). Last evaluated 2025-10-26.

Allele frequency attached by ClinVar (database versions not stated): gnomAD 0.00002 and 0.00003; gnomAD exomes 0.00002; TOPMed 0.00002; ExAC 0.00003; ESP Exome Variant Server 0.00015.
gnomAD v4.1: 17 of 1,613,946 alleles (0.0011%); highest among the groups gnomAD compares: Non-Finnish European, 0.0014%; no homozygotes.

Submissions (2):

Labcorp Genetics (formerly Invitae), Labcorp
Classification: Uncertain significance. Last evaluated: 2025-10-26. Review status: criteria provided, single submitter. Criteria: Invitae Variant Classification Sherloc (09022015). Collection method: clinical testing. Allele origin: germline.
Comment: This sequence change replaces phenylalanine, which is neutral and non-polar, with leucine, which is neutral and non-polar, at codon 543 of the SAMD9 protein (p.Phe543Leu). This variant is present in population databases (rs148654574, gnomAD 0.005%). This missense change has been observed in individual(s) with pseudoxanthoma elasticum (PMID: 34906475). ClinVar contains an entry for this variant (Variation ID: 1421650). Invitae Evidence Modeling of protein sequence and biophysical properties (such as structural, functional, and spatial information, amino acid conservation, physicochemical variation, residue mobility, and thermodynamic stability) has been performed for this missense variant. However, the output from this modeling did not meet the statistical confidence thresholds required to predict the impact of this variant on SAMD9 protein function. In summary, the available evidence is currently insufficient to determine the role of this variant in disease. Therefore, it has been classified as a Variant of Uncertain Significance.

CeGaT Center for Human Genetics Tuebingen
Classification: Uncertain significance. Last evaluated: 2023-01-01. Review status: criteria provided, single submitter. Criteria: CeGaT Center For Human Genetics Tuebingen Variant Classification Criteria Version 2. Collection method: clinical testing. Allele origin: germline. Affected: yes. Observed: 1 variant allele.

Literature cited by the submitters: PubMed 34906475 (cited by Labcorp Genetics (formerly Invitae), Labcorp).

NM_017654.4(SAMD9):c.1629T>G (p.Phe543Leu)

Gene: SAMD9 (sterile alpha motif domain containing 9; minus strand). Cytogenetic location: 7q21.2.
Variant type: single nucleotide variant.
Coding change: c.1629T>G on transcript NM_017654.4 (MANE Select); coding-DNA position 1629, T replaced by G.
Protein change: p.Phe543Leu; replaces phenylalanine 543 with leucine.
Molecular consequence: missense variant.
Genome position (GRCh38, 1-based): chr7:93,104,469, A>C on the plus strand (T>G on the coding strand, the complement: SAMD9 is on the minus strand). VCF-style: chr7-93104469-A-C. GRCh37 (hg19) VCF-style: chr7-92733782-A-C.
Other names: c.1629T>G, p.Phe543Leu (NM_001193307.2); short protein forms F543L.
Identifiers: ClinVar variation 1421650 (VCV001421650.30), dbSNP rs148654574, ClinGen allele CA4342952.